The following is an entry in ClinVar:

ClinVar aggregate classification (germline): Benign/Likely benign. Review status: criteria provided, multiple submitters, no conflicts (2 of 4 stars). 9 submissions from 9 submitters: Benign (4); Likely benign (4). 1 of the submissions does not count toward it. Last evaluated 2026-01-25.

Conditions:
Primary ciliary dyskinesia. Also called: Ciliary dyskinesia. Identifiers: Orphanet 244, MedGen C0008780, MONDO:0016575, HP:0012265.
Primary ciliary dyskinesia 3. Identifiers: Orphanet 244, MedGen C1837618, MONDO:0012085, OMIM 608644.

Allele frequency attached by ClinVar (database versions not stated): gnomAD 0.00551; TOPMed 0.00589; ESP Exome Variant Server 0.00646; 1000 Genomes Project 30x 0.00703; 1000 Genomes Project 0.00719.
gnomAD v4.1: 1,493 of 1,595,694 alleles (0.094%); highest among the groups gnomAD compares: African/African-American, 1.8%; 8 homozygotes.

Submissions (9):

Labcorp Genetics (formerly Invitae), Labcorp
Classification: Benign for Primary ciliary dyskinesia. Last evaluated: 2026-01-25. Review status: criteria provided, single submitter. Criteria: Invitae Variant Classification Sherloc (09022015). Collection method: clinical testing. Allele origin: germline.

Blueprint Genetics
Classification: Likely benign. Last evaluated: 2024-10-09. Review status: criteria provided, single submitter. Criteria: ACMG Guidelines, 2015. Collection method: clinical testing. Allele origin: germline.

ARUP Laboratories, Molecular Genetics and Genomics, ARUP Laboratories
Classification: Likely benign for Primary ciliary dyskinesia 3. Last evaluated: 2023-09-21. Review status: criteria provided, single submitter. Criteria: ARUP Molecular Germline Variant Investigation Process 2024. Collection method: clinical testing. Allele origin: germline.

GeneDx
Classification: Likely benign. Last evaluated: 2021-01-19. Review status: criteria provided, single submitter. Criteria: GeneDx Variant Classification Process June 2021. Collection method: clinical testing. Allele origin: germline. Affected: yes.

Illumina Laboratory Services, Illumina
Classification: Likely benign for Primary ciliary dyskinesia 3. Last evaluated: 2018-01-12. Review status: criteria provided, single submitter. Criteria: ICSL Variant Classification Criteria 13 December 2019. Collection method: clinical testing. Allele origin: germline.
Comment: This variant was observed in the ICSL laboratory as part of a predisposition screen in an ostensibly healthy population. It had not been previously curated by ICSL or reported in the Human Gene Mutation Database (HGMD: prior to June 1st, 2018), and was therefore a candidate for classification through an automated scoring system. Utilizing variant allele frequency, disease prevalence and penetrance estimates, and inheritance mode, an automated score was calculated to assess if this variant is too frequent to cause the disease. Based on the score and internal cut-off values, a variant classified as likely benign is not then subjected to further curation. The score for this variant resulted in a classification of likely benign for this disease.

Ambry Genetics
Classification: Benign for Primary ciliary dyskinesia. Last evaluated: 2016-07-27. Review status: criteria provided, single submitter. Criteria: Ambry Variant Classification Scheme 2023. Collection method: clinical testing. Allele origin: germline.

Laboratory for Molecular Medicine, Mass General Brigham Personalized Medicine
Classification: Benign. Last evaluated: 2013-02-21. Review status: criteria provided, single submitter. Criteria: LMM Criteria. Collection method: clinical testing. Allele origin: germline. Observed: 1 variant allele.
Comment: 5115-4G>T in intron 31 of DNAH5: This variant is not expected to have clinical s ignificance because it is not located within the conserved splice consensus sequ ence. It has been identified in 1.9% (83/4406) of African American chromosomes f rom a broad population by the NHLBI Exome Sequencing Project (dbSNP rs141141086).

PreventionGenetics, part of Exact Sciences
Classification: Benign. Review status: criteria provided, single submitter. Criteria: ACMG Guidelines, 2015. Collection method: clinical testing. Allele origin: germline.

Natera, Inc.
Classification: Benign for Primary ciliary dyskinesia. Last evaluated: 2020-09-16. Review status: no assertion criteria provided. Collection method: clinical testing. Allele origin: germline. Not counted in ClinVar's aggregate classification.

NM_001369.3(DNAH5):c.5115-4G>T

Gene: DNAH5 (dynein axonemal heavy chain 5; minus strand). Cytogenetic location: 5p15.2.
Variant type: single nucleotide variant.
Coding change: c.5115-4G>T on transcript NM_001369.3 (MANE Select); 4 bases into the intron before coding-DNA position 5115, G replaced by T.
Molecular consequence: intron variant.
Genome position (GRCh38, 1-based): chr5:13,844,997, C>A on the plus strand (G>T on the coding strand, the complement: DNAH5 is on the minus strand). VCF-style: chr5-13844997-C-A. GRCh37 (hg19) VCF-style: chr5-13845106-C-A.
Identifiers: ClinVar variation 226599 (VCV000226599.27), dbSNP rs141141086, ClinGen allele CA3203782.